The following is an entry in ClinVar:

NM_001197104.2(KMT2A):c.11267C>T (p.Ala3756Val)

Genes: KMT2A (lysine methyltransferase 2A; plus strand), TTC36-AS1 (TTC36 and KMT2A antisense RNA 1; minus strand). Cytogenetic location: 11q23.3.
Variant type: single nucleotide variant.
Coding change: c.11267C>T on transcript NM_001197104.2 (MANE Select); coding-DNA position 11267, C replaced by T.
Protein change: p.Ala3756Val; replaces alanine 3756 with valine.
Molecular consequence: missense variant.
Genome position (GRCh38, 1-based): chr11:118,519,738, C>T. VCF-style: chr11-118519738-C-T. GRCh37 (hg19) VCF-style: chr11-118390453-C-T.
Other names: c.11357C>T, p.Ala3786Val (NM_001412597.1); c.11258C>T, p.Ala3753Val (NM_005933.4); short protein forms A3753V, A3756V, A3786V.
Identifiers: ClinVar variation 4807682 (VCV004807682.2).

ClinVar aggregate classification (germline): Uncertain significance. Review status: criteria provided, multiple submitters, no conflicts (2 of 4 stars). 2 submissions from 2 submitters: Uncertain significance (2). Last evaluated 2026-03-19.

Conditions:
Inborn genetic diseases. Identifiers: MedGen C0950123, MeSH D030342.

Submissions (2):

Ambry Genetics
Classification: Uncertain significance for Inborn genetic diseases. Last evaluated: 2026-03-19. Review status: criteria provided, single submitter. Criteria: Ambry Variant Classification Scheme 2023. Collection method: clinical testing. Allele origin: germline.

Labcorp Genetics (formerly Invitae), Labcorp
Classification: Uncertain significance. Last evaluated: 2025-05-07. Review status: criteria provided, single submitter. Criteria: Invitae Variant Classification Sherloc (09022015). Collection method: clinical testing. Allele origin: germline.
Comment: This sequence change replaces alanine, which is neutral and non-polar, with valine, which is neutral and non-polar, at codon 3756 of the KMT2A protein (p.Ala3756Val). This variant is not present in population databases (gnomAD no frequency). This variant has not been reported in the literature in individuals affected with KMT2A-related conditions. Invitae Evidence Modeling of protein sequence and biophysical properties (such as structural, functional, and spatial information, amino acid conservation, physicochemical variation, residue mobility, and thermodynamic stability) indicates that this missense variant is not expected to disrupt KMT2A protein function with a negative predictive value of 95%. In summary, the available evidence is currently insufficient to determine the role of this variant in disease. Therefore, it has been classified as a Variant of Uncertain Significance.